The following is an entry in ClinVar:

NM_000334.4(SCN4A):c.4267G>A (p.Val1423Ile)

Genes: SCN4A (sodium voltage-gated channel alpha subunit 4; minus strand), GH-LCR (growth hormone locus control region; plus strand). Cytogenetic location: 17q23.3.
Variant type: single nucleotide variant.
Coding change: c.4267G>A on transcript NM_000334.4 (MANE Select); coding-DNA position 4267, G replaced by A.
Protein change: p.Val1423Ile; replaces valine 1423 with isoleucine.
Molecular consequence: missense variant.
Genome position (GRCh38, 1-based): chr17:63,942,847, C>T on the plus strand (G>A on the coding strand, the complement: SCN4A is on the minus strand). VCF-style: chr17-63942847-C-T. GRCh37 (hg19) VCF-style: chr17-62020207-C-T.
Other names: short protein forms V1423I.
Identifiers: ClinVar variation 1355806 (VCV001355806.8), dbSNP rs943905262, ClinGen allele CA292958144.

ClinVar aggregate classification (germline): Uncertain significance. Review status: criteria provided, multiple submitters, no conflicts (2 of 4 stars). 2 submissions from 2 submitters: Uncertain significance (2). Last evaluated 2024-02-17.

Conditions:
Paramyotonia congenita of Von Eulenburg. Also called: PARALYSIS PERIODICA PARAMYOTONICA; Paramyotonia Congenita; Eulenburg disease; Myotonia congenita intermittens; Von Eulenburg paramyotonia congenita. Identifiers: Orphanet 684, MedGen C0221055, MONDO:0008195, OMIM 168300. Disease mechanism: loss of function.
Congenital myasthenic syndrome 16. Identifiers: Orphanet 590, MedGen C3280112, MONDO:0013620, OMIM 614198.
Hypokalemic periodic paralysis, type 1. Also called: Hypokalemic Periodic Paralysis Type 1 (AD); HypoPP. Identifiers: Orphanet 681, MedGen C3714580, MONDO:0042979, OMIM 170400.
Potassium-aggravated myotonia. Also called: MYOTONIA CONGENITA, ACETAZOLAMIDE-RESPONSIVE; MYOTONIA CONGENITA, ATYPICAL; SODIUM CHANNEL MUSCLE DISEASE; Myotonia congenita, atypical, acetazolamide-responsive. Identifiers: Orphanet 612, Orphanet 99734, Orphanet 99735, Orphanet 99736, MedGen C2931826, MONDO:0018959, OMIM 608390.
Hypokalemic periodic paralysis, type 2 (HOKPP2). Identifiers: Orphanet 681, MedGen C2750061, MONDO:0013234, OMIM 613345.
Hyperkalemic periodic paralysis. Also called: Familial hyperkalemic periodic paralysis; Gamstorp disease. Identifiers: Orphanet 682, MedGen C0238357, MONDO:0008224, OMIM 170500, HP:0007215.

Allele frequency attached by ClinVar (database versions not stated): gnomAD 0.00001; TOPMed 0.00003.
gnomAD v4.1: 2 of 1,613,818 alleles (0.00012%); highest among the groups gnomAD compares: African/African-American, 0.0027%; no homozygotes.

Submissions (2):

Labcorp Genetics (formerly Invitae), Labcorp
Classification: Uncertain significance for Hyperkalemic periodic paralysis. Last evaluated: 2024-02-17. Review status: criteria provided, single submitter. Criteria: Invitae Variant Classification Sherloc (09022015). Collection method: clinical testing. Allele origin: germline.
Comment: This sequence change replaces valine, which is neutral and non-polar, with isoleucine, which is neutral and non-polar, at codon 1423 of the SCN4A protein (p.Val1423Ile). This variant is not present in population databases (gnomAD no frequency). This variant has not been reported in the literature in individuals affected with SCN4A-related conditions. ClinVar contains an entry for this variant (Variation ID: 1355806). Advanced modeling of protein sequence and biophysical properties (such as structural, functional, and spatial information, amino acid conservation, physicochemical variation, residue mobility, and thermodynamic stability) has been performed at Invitae for this missense variant, however the output from this modeling did not meet the statistical confidence thresholds required to predict the impact of this variant on SCN4A protein function. In summary, the available evidence is currently insufficient to determine the role of this variant in disease. Therefore, it has been classified as a Variant of Uncertain Significance.

Fulgent Genetics
Classification: Uncertain significance for Paramyotonia congenita of Von Eulenburg; Hypokalemic periodic paralysis, type 1; Hyperkalemic periodic paralysis; Potassium-aggravated myotonia; Hypokalemic periodic paralysis, type 2; Congenital myasthenic syndrome 16. Last evaluated: 2021-11-09. Review status: criteria provided, single submitter. Criteria: ACMG Guidelines, 2015. Collection method: clinical testing. Allele origin: unknown.